The following is an entry in ClinVar:

ClinVar aggregate classification (germline): Conflicting classifications of pathogenicity. Review status: criteria provided, conflicting classifications (1 of 4 stars). 2 submissions from 2 submitters: Uncertain significance (1); Likely benign (1). Last evaluated 2025-12-03.

Conditions:
Familial hypobetalipoproteinemia 1. Also called: APOB-Related Familial Hypobetalipoproteinemia; Hypobetalipoproteinemia, normotriglyceridemic; Acanthocytosis with hypobetalipoproteinemia. Identifiers: MedGen C4551990, MONDO:0014252, OMIM 615558.
Hypercholesterolemia, autosomal dominant, type B (FHCL2). Also called: Hyperlipoproteinemia Type IIb; Familial hypercholesterolemia 2; Familial Hypercholesterolemia Type B; APOLIPOPROTEIN B-100, FAMILIAL DEFECTIVE; APOLIPOPROTEIN B-100, FAMILIAL LIGAND-DEFECTIVE; HYPERCHOLESTEROLEMIA, FAMILIAL, DUE TO LIGAND-DEFECTIVE APOLIPOPROTEIN B. Identifiers: MedGen C1704417, MONDO:0007751, OMIM 144010.
Cardiovascular phenotype. Identifiers: MedGen CN230736.

Allele frequency attached by ClinVar (database versions not stated): ExAC 0.00001; gnomAD 0.00001; TOPMed 0.00001; gnomAD exomes 0.00002.
gnomAD v4.1: 31 of 1,614,006 alleles (0.0019%); highest among the groups gnomAD compares: Admixed American, 0.01%; no homozygotes.

Submissions (2):

Labcorp Genetics (formerly Invitae), Labcorp
Classification: Likely benign for Familial hypobetalipoproteinemia 1; Hypercholesterolemia, autosomal dominant, type B. Last evaluated: 2025-12-03. Review status: criteria provided, single submitter. Criteria: Invitae Variant Classification Sherloc (09022015). Collection method: clinical testing. Allele origin: germline.

Ambry Genetics
Classification: Uncertain significance for Cardiovascular phenotype. Last evaluated: 2025-04-12. Review status: criteria provided, single submitter. Criteria: Ambry Variant Classification Scheme 2023. Collection method: clinical testing. Allele origin: germline.
Comment: The p.F1278L variant (also known as c.3832T>C), located in coding exon 24 of the APOB gene, results from a T to C substitution at nucleotide position 3832. The phenylalanine at codon 1278 is replaced by leucine, an amino acid with highly similar properties. This amino acid position is conserved. In addition, this alteration is predicted to be tolerated by in silico analysis. Since supporting evidence is limited at this time, the clinical significance of this alteration remains unclear.

NM_000384.3(APOB):c.3832T>C (p.Phe1278Leu)

Gene: APOB (apolipoprotein B; minus strand). Cytogenetic location: 2p24.1.
Variant type: single nucleotide variant.
Coding change: c.3832T>C on transcript NM_000384.3 (MANE Select); coding-DNA position 3832, T replaced by C.
Protein change: p.Phe1278Leu; replaces phenylalanine 1278 with leucine.
Molecular consequence: missense variant.
Genome position (GRCh38, 1-based): chr2:21,014,458, A>G on the plus strand (T>C on the coding strand, the complement: APOB is on the minus strand). VCF-style: chr2-21014458-A-G. GRCh37 (hg19) VCF-style: chr2-21237330-A-G.
Other names: short protein forms F1278L.
Identifiers: ClinVar variation 1735363 (VCV001735363.8), dbSNP rs371444771, ClinGen allele CA059732.